The following is an entry in ClinVar:

NM_004304.5(ALK):c.3046G>A (p.Glu1016Lys)

Gene: ALK (ALK receptor tyrosine kinase; minus strand). Cytogenetic location: 2p23.2.
Variant type: single nucleotide variant.
Coding change: c.3046G>A on transcript NM_004304.5 (MANE Select); coding-DNA position 3046, G replaced by A.
Protein change: p.Glu1016Lys; replaces glutamic acid 1016 with lysine.
Molecular consequence: missense variant.
Genome position (GRCh38, 1-based): chr2:29,226,943, C>T on the plus strand (G>A on the coding strand, the complement: ALK is on the minus strand). VCF-style: chr2-29226943-C-T. GRCh37 (hg19) VCF-style: chr2-29449809-C-T.
Other names: short protein forms E1016K.
Identifiers: ClinVar variation 4668078 (VCV004668078.1).
Genomic context (GRCh38, chr2:29,226,943, plus strand): 5'-CTATGGGCCCCTCTGCCTCCCCTGGCCCTGCCCCCTTACCAATGCAGGAGACGCCATCCT[C>T]AGCCAGCACCGTCCCGTGGTCACAGAAGCAGATGACCTTGTGGCTTTCAGGGTCCATGTG-3'
Protein context (NP_004295.2, residues 1006-1026): CFCDHGTVLA[Glu1016Lys]DGVSCIVSPT

ClinVar aggregate classification (germline): Uncertain significance (1 of 4 stars; one submission).

Conditions:
Hereditary cancer-predisposing syndrome. Also called: Neoplastic Syndromes, Hereditary; Tumor predisposition; Hereditary Cancer Syndrome; Hereditary neoplastic syndrome. Identifiers: Orphanet 140162, MedGen C0027672, MeSH D009386, MONDO:0015356.

Submission:

Ambry Genetics
Classification: Uncertain significance for Hereditary cancer-predisposing syndrome. Last evaluated: 2025-12-02. Review status: criteria provided, single submitter. Criteria: Ambry Variant Classification Scheme 2023. Collection method: clinical testing. Allele origin: germline.
Comment: The p.E1016K variant (also known as c.3046G>A), located in coding exon 18 of the ALK gene, results from a G to A substitution at nucleotide position 3046. The glutamic acid at codon 1016 is replaced by lysine, an amino acid with similar properties. This amino acid position is not well conserved in available vertebrate species. In addition, this alteration is predicted to be tolerated by in silico analysis. Based on the available evidence, the clinical significance of this variant remains unclear.